The following is an entry in ClinVar:

NM_025074.7(FRAS1):c.5531T>C (p.Val1844Ala)

Gene: FRAS1 (Fraser extracellular matrix complex subunit 1; plus strand). Cytogenetic location: 4q21.21.
Variant type: single nucleotide variant.
Coding change: c.5531T>C on transcript NM_025074.7 (MANE Select); coding-DNA position 5531, T replaced by C.
Protein change: p.Val1844Ala; replaces valine 1844 with alanine.
Molecular consequence: missense variant.
Genome position (GRCh38, 1-based): chr4:78,441,163, T>C. VCF-style: chr4-78441163-T-C. GRCh37 (hg19) VCF-style: chr4-79362317-T-C.
Other names: c.5531T>C, p.Val1844Ala (NM_001166133.2); short protein forms V1844A.
Identifiers: ClinVar variation 2497800 (VCV002497800.1), dbSNP rs2477193538, ClinGen allele CA357388638.
Genomic context (GRCh38, chr4:78,441,163, plus strand): 5'-TTTTTTTACTGTGGTTATGTGAAATCACCAAGGACTCTCTATGTTCTTTTCTTTCTTAGG[T>C]TGATGAGGGAGGGAGAGCACCACTCTCATTTCACCATTTTTTTGCTACTGATGATGATGA-3'
Protein context (NP_079350.5, residues 1834-1854): PVIAFADLIT[Val1844Ala]DEGGRAPLSF

ClinVar aggregate classification (germline): Uncertain significance (1 of 4 stars; one submission).

Submission:

GeneDx
Classification: Uncertain significance. Last evaluated: 2022-10-05. Review status: criteria provided, single submitter. Criteria: GeneDx Variant Classification Process June 2021. Collection method: clinical testing. Allele origin: germline. Affected: yes.
Comment: Not observed at significant frequency in large population cohorts (gnomAD); In silico analysis supports that this missense variant has a deleterious effect on protein structure/function; Has not been previously published as pathogenic or benign to our knowledge